The following is an entry in ClinVar:

NM_001267550.2(TTN):c.14050G>A (p.Gly4684Arg)

Gene: TTN (titin; minus strand). Cytogenetic location: 2q31.2.
Variant type: single nucleotide variant.
Coding change: c.14050G>A on transcript NM_001267550.2 (MANE Select); coding-DNA position 14050, G replaced by A.
Protein change: p.Gly4684Arg; replaces glycine 4684 with arginine.
Molecular consequence: missense variant. On other transcripts: intron variant (1).
Genome position (GRCh38, 1-based): chr2:178,739,183, C>T on the plus strand (G>A on the coding strand, the complement: TTN is on the minus strand). VCF-style: chr2-178739183-C-T. GRCh37 (hg19) VCF-style: chr2-179603910-C-T.
Other names: p.G4367R:GGA>AGA; c.13099G>A, p.Gly4367Arg (NM_001256850.1); c.12961G>A, p.Gly4321Arg (NM_003319.4); c.13336G>A, p.Gly4446Arg (NM_133432.3); c.13537G>A, p.Gly4513Arg (NM_133437.4); c.10361-823G>A (NM_133378.4); short protein forms G4367R, G4684R, G4513R, G4321R, G4446R.
Identifiers: ClinVar variation 203233 (VCV000203233.5), dbSNP rs377579941, ClinGen allele CA311758.

ClinVar aggregate classification (germline): Uncertain significance. Review status: criteria provided, multiple submitters, no conflicts (2 of 4 stars). 3 submissions from 3 submitters: Uncertain significance (3). Last evaluated 2019-10-31.

Conditions:
Cardiovascular phenotype. Identifiers: MedGen CN230736.
Dilated cardiomyopathy 1G (CMD1G). Identifiers: Orphanet 154, MedGen C1858763, MONDO:0011400, OMIM 604145.
Autosomal recessive limb-girdle muscular dystrophy type 2J (LGMDR10). Also called: MUSCULAR DYSTROPHY, LIMB-GIRDLE, AUTOSOMAL RECESSIVE 10; Limb-girdle muscular dystrophy, type 2J. Identifiers: Orphanet 140922, MedGen C1837342, MONDO:0012127, OMIM 608807.

Allele frequency attached by ClinVar (database versions not stated): gnomAD exomes 0.00002 and 0.00004; ExAC 0.00006; TOPMed 0.00006; ESP Exome Variant Server 0.00008; gnomAD 0.00009.
gnomAD v4.1: 37 of 1,514,098 alleles (0.0024%); highest among the groups gnomAD compares: African/African-American, 0.031%; no homozygotes.

Submissions (3):

Ambry Genetics
Classification: Uncertain significance for Cardiovascular phenotype. Last evaluated: 2019-10-31. Review status: criteria provided, single submitter. Criteria: Ambry Variant Classification Scheme 2023. Collection method: clinical testing. Allele origin: germline.
Comment: The p.G4321R variant (also known as c.12961G>A), located in coding exon 44 of the TTN gene, results from a G to A substitution at nucleotide position 12961. The glycine at codon 4321 is replaced by arginine, an amino acid with dissimilar properties. This amino acid position is highly conserved in available vertebrate species. In addition, the in silico prediction for this alteration is inconclusive. Since supporting evidence is limited at this time, the clinical significance of this alteration remains unclear.

Labcorp Genetics (formerly Invitae), Labcorp
Classification: Uncertain significance for Dilated cardiomyopathy 1G; Autosomal recessive limb-girdle muscular dystrophy type 2J. Last evaluated: 2017-06-20. Review status: criteria provided, single submitter. Criteria: Invitae Variant Classification Sherloc (09022015). Collection method: clinical testing. Allele origin: germline.

GeneDx
Classification: Uncertain significance. Last evaluated: 2017-04-07. Review status: criteria provided, single submitter. Criteria: GeneDx Variant Classification (06012015). Collection method: clinical testing. Allele origin: germline. Affected: yes.
Comment: Missense variants in the TTN gene are considered 'unclassified' if they are not previously reported in the literature and do not have >1% frequency in the population to be considered a polymorphism. Research indicates that truncating variants in the TTN gene are expected to account for approximately 25% of familial and 18% of sporadic idiopathic DCM; however, truncating variants in the TTN gene have been reported in approximately 3% of reported control alleles. There has been little investigation into non-truncating variants. (Herman D et al. Truncations of titin causing dilated cardiomyopathy. N Eng J Med 366:619-628, 2012). Therefore, based on the currently available information, it is unclear whether this variant is a pathogenic variant or a rare benign variant.